The following is an entry in ClinVar:

ClinVar aggregate classification (germline): Uncertain significance (1 of 4 stars; one submission).

Conditions:
Hereditary cancer-predisposing syndrome. Also called: Hereditary Cancer Syndrome; Hereditary neoplastic syndrome; Neoplastic Syndromes, Hereditary; Tumor predisposition. Identifiers: Orphanet 140162, MedGen C0027672, MeSH D009386, MONDO:0015356.

gnomAD v4.1: 1 of 1,614,164 alleles (0.000062%); no homozygotes.

Submission:

Ambry Genetics
Classification: Uncertain significance for Hereditary cancer-predisposing syndrome. Last evaluated: 2022-03-30. Review status: criteria provided, single submitter. Criteria: Ambry Variant Classification Scheme 2023. Collection method: clinical testing. Allele origin: germline.
Comment: The p.A393P variant (also known as c.1177G>C), located in coding exon 6 of the SMARCA4 gene, results from a G to C substitution at nucleotide position 1177. The alanine at codon 393 is replaced by proline, an amino acid with highly similar properties. This amino acid position is well conserved in available vertebrate species. In addition, this alteration is predicted to be tolerated by in silico analysis. Missense and in-frame variants in SMARCA4 are known to cause neurodevelopmental disorders; however, such associations with rhabdoid tumor predisposition syndrome including small cell carcinoma of the ovary-hypercalcemic type (SCCOHT) are exceedingly rare (Kosho T et al. Am J Med Genet C Semin Med Genet. 2014 Sep;166C(3):262-75; Jelinic P et al. Nat Genet. 2014 May;46(5):424-6). Based on the supporting evidence, the association of this alteration with Coffin-Siris syndrome is unknown; however, the association of this alteration with rhabdoid tumor predisposition syndrome is unlikely.

NM_003072.5(SMARCA4):c.1177G>C (p.Ala393Pro)

Gene: SMARCA4 (SWI/SNF related BAF chromatin remodeling complex subunit ATPase 4; plus strand). Cytogenetic location: 19p13.2.
Variant type: single nucleotide variant.
Coding change: c.1177G>C on transcript NM_003072.5 (MANE Select); coding-DNA position 1177, G replaced by C.
Protein change: p.Ala393Pro; replaces alanine 393 with proline.
Molecular consequence: missense variant. On other transcripts: non-coding transcript variant (1).
Genome position (GRCh38, 1-based): chr19:10,989,375, G>C. VCF-style: chr19-10989375-G-C. GRCh37 (hg19) VCF-style: chr19-11100051-G-C.
Other names: c.1177G>C, p.Ala393Pro (NM_001128844.3, NM_001128845.2, NM_001128846.2 and 6 more transcripts); short protein forms A393P.
Identifiers: ClinVar variation 1741114 (VCV001741114.2), dbSNP rs2145848371, ClinGen allele CA404059570.
Genomic context (GRCh38, chr19:10,989,375, plus strand): 5'-AGGCTGCAGGCTCGCATCGCACACCGAATTCAGGAACTTGAAAACCTTCCCGGGTCCCTG[G>C]CCGGGGATTTGCGAACCAAAGCGACCATTGAGCTCAAGGCCCTCAGGCTGCTGAACTTCC-3'
Protein context (NP_003063.2, residues 383-403): QELENLPGSL[Ala393Pro]GDLRTKATIE